The following is an entry in ClinVar:

ClinVar aggregate classification (germline): Uncertain significance. Review status: criteria provided, multiple submitters, no conflicts (2 of 4 stars). 2 submissions from 2 submitters: Uncertain significance (2). Last evaluated 2023-08-30.

Conditions:
Hereditary cancer-predisposing syndrome. Also called: Tumor predisposition; Neoplastic Syndromes, Hereditary; Hereditary Cancer Syndrome; Hereditary neoplastic syndrome. Identifiers: Orphanet 140162, MedGen C0027672, MeSH D009386, MONDO:0015356.

Submissions (2):

Ambry Genetics
Classification: Uncertain significance for Hereditary cancer-predisposing syndrome. Last evaluated: 2023-08-30. Review status: criteria provided, single submitter. Criteria: Ambry Variant Classification Scheme 2023. Collection method: clinical testing. Allele origin: germline.
Comment: The p.G60V variant (also known as c.179G>T), located in coding exon 2 of the RAD50 gene, results from a G to T substitution at nucleotide position 179. The glycine at codon 60 is replaced by valine, an amino acid with dissimilar properties. This amino acid position is conserved. In addition, the in silico prediction for this alteration is inconclusive. Since supporting evidence is limited at this time, the clinical significance of this alteration remains unclear.

Labcorp Genetics (formerly Invitae), Labcorp
Classification: Uncertain significance for Hereditary cancer-predisposing syndrome. Last evaluated: 2022-12-24. Review status: criteria provided, single submitter. Criteria: Invitae Variant Classification Sherloc (09022015). Collection method: clinical testing. Allele origin: germline.
Comment: In summary, the available evidence is currently insufficient to determine the role of this variant in disease. Therefore, it has been classified as a Variant of Uncertain Significance. This variant has not been reported in the literature in individuals affected with RAD50-related conditions. Advanced modeling of protein sequence and biophysical properties (such as structural, functional, and spatial information, amino acid conservation, physicochemical variation, residue mobility, and thermodynamic stability) performed at Invitae indicates that this missense variant is expected to disrupt RAD50 protein function. This variant is not present in population databases (gnomAD no frequency). This sequence change replaces glycine, which is neutral and non-polar, with valine, which is neutral and non-polar, at codon 60 of the RAD50 protein (p.Gly60Val).

NM_005732.4(RAD50):c.179G>T (p.Gly60Val)

Gene: RAD50 (RAD50 double strand break repair protein; plus strand). Cytogenetic location: 5q31.1.
Variant type: single nucleotide variant.
Coding change: c.179G>T on transcript NM_005732.4 (MANE Select); coding-DNA position 179, G replaced by T.
Protein change: p.Gly60Val; replaces glycine 60 with valine.
Molecular consequence: missense variant.
Genome position (GRCh38, 1-based): chr5:132,559,333, G>T. VCF-style: chr5-132559333-G-T. GRCh37 (hg19) VCF-style: chr5-131895025-G-T.
Other names: c.179G>T (NM_005732.3); short protein forms G60V.
Identifiers: ClinVar variation 2081979 (VCV002081979.6), dbSNP rs2479579749, ClinGen allele CA360953512.